The following is an entry in ClinVar:

ClinVar aggregate classification (germline): Uncertain significance. Review status: criteria provided, multiple submitters, no conflicts (2 of 4 stars). 5 submissions from 5 submitters: Uncertain significance (5). Last evaluated 2025-11-15.

Conditions:
Cardiovascular phenotype. Identifiers: MedGen CN230736.
Hereditary cancer-predisposing syndrome. Also called: Hereditary neoplastic syndrome; Neoplastic Syndromes, Hereditary; Tumor predisposition; Hereditary Cancer Syndrome. Identifiers: Orphanet 140162, MedGen C0027672, MeSH D009386, MONDO:0015356.
Juvenile myelomonocytic leukemia (JMML). Also called: LEUKEMIA, JUVENILE MYELOMONOCYTIC, SOMATIC. Identifiers: Orphanet 86834, MedGen C0349639, MONDO:0011908, OMIM 607785, HP:0012209.
Neurofibromatosis-Noonan syndrome (NFNS). Also called: NEUROFIBROMATOSIS WITH NOONAN PHENOTYPE. Identifiers: Orphanet 638, MedGen C2931482, MONDO:0011035, OMIM 601321. Disease mechanism: loss of function.
Neurofibromatosis, familial spinal (FSNF). Identifiers: Orphanet 636, MedGen C1834235, MONDO:0008078, OMIM 162210. Disease mechanism: loss of function.
Neurofibromatosis, type 1 (NF1). Also called: VON RECKLINGHAUSEN DISEASE; Peripheral type neurofibromatosis; NEUROFIBROMATOSIS, TYPE I, SOMATIC; Neurofibromatosis, type I. Identifiers: Orphanet 636, MedGen C0027831, MONDO:0018975, OMIM 162200. Disease mechanism: loss of function.
Café-au-lait macules with pulmonary stenosis (WTSN). Also called: PULMONIC STENOSIS WITH CAFE-AU-LAIT SPOTS. Identifiers: MedGen C0553586, MONDO:0008672, OMIM 193520.

Allele frequency attached by ClinVar (database versions not stated): gnomAD exomes below 0.00001.
gnomAD v4.1: 2 of 1,562,110 alleles (0.00013%); highest among the groups gnomAD compares: Non-Finnish European, 0.00017%; no homozygotes.

Submissions (5):

Ambry Genetics
Classification: Uncertain significance for Cardiovascular phenotype; Hereditary cancer-predisposing syndrome. Last evaluated: 2025-11-15. Review status: criteria provided, single submitter. Criteria: Ambry Variant Classification Scheme 2023. Collection method: clinical testing. Allele origin: germline.
Comment: The p.V174F variant (also known as c.520G>T), located in coding exon 5 of the NF1 gene, results from a G to T substitution at nucleotide position 520. The valine at codon 174 is replaced by phenylalanine, an amino acid with highly similar properties. This amino acid position is highly conserved in available vertebrate species. In addition, this alteration is predicted to be deleterious by in silico analysis.Since supporting evidence is limited at this time, the clinical significance of this alteration remains unclear.

Labcorp Genetics (formerly Invitae), Labcorp
Classification: Uncertain significance for Neurofibromatosis, type 1. Last evaluated: 2025-08-25. Review status: criteria provided, single submitter. Criteria: Invitae Variant Classification Sherloc (09022015). Collection method: clinical testing. Allele origin: germline.
Comment: This sequence change replaces valine, which is neutral and non-polar, with phenylalanine, which is neutral and non-polar, at codon 174 of the NF1 protein (p.Val174Phe). This variant is not present in population databases (gnomAD no frequency). This variant has not been reported in the literature in individuals affected with NF1-related conditions. ClinVar contains an entry for this variant (Variation ID: 481930). Invitae Evidence Modeling of protein sequence and biophysical properties (such as structural, functional, and spatial information, amino acid conservation, physicochemical variation, residue mobility, and thermodynamic stability) indicates that this missense variant is expected to disrupt NF1 protein function with a positive predictive value of 95%. In summary, the available evidence is currently insufficient to determine the role of this variant in disease. Therefore, it has been classified as a Variant of Uncertain Significance.

Baylor Genetics
Classification: Uncertain significance for Juvenile myelomonocytic leukemia. Last evaluated: 2023-08-05. Review status: criteria provided, single submitter. Criteria: ACMG Guidelines, 2015. Collection method: clinical testing. Allele origin: unknown.

Fulgent Genetics
Classification: Uncertain significance for Neurofibromatosis, type 1; Neurofibromatosis, familial spinal; Café-au-lait macules with pulmonary stenosis; Neurofibromatosis-Noonan syndrome; Juvenile myelomonocytic leukemia. Last evaluated: 2022-04-29. Review status: criteria provided, single submitter. Criteria: ACMG Guidelines, 2015. Collection method: clinical testing. Allele origin: unknown.

Genome-Nilou Lab
Classification: Uncertain significance for Neurofibromatosis, type 1. Last evaluated: 2022-03-15. Review status: criteria provided, single submitter. Criteria: ACMG Guidelines, 2015. Collection method: clinical testing. Allele origin: germline. Affected: no.

NM_001042492.3(NF1):c.520G>T (p.Val174Phe)

Gene: NF1 (neurofibromin 1; plus strand). Cytogenetic location: 17q11.2.
Variant type: single nucleotide variant.
Coding change: c.520G>T on transcript NM_001042492.3 (MANE Select); coding-DNA position 520, G replaced by T.
Protein change: p.Val174Phe; replaces valine 174 with phenylalanine.
Molecular consequence: missense variant.
Genome position (GRCh38, 1-based): chr17:31,169,931, G>T. VCF-style: chr17-31169931-G-T. GRCh37 (hg19) VCF-style: chr17-29496949-G-T.
Other names: c.520G>T, p.Val174Phe (NM_000267.4, NM_001128147.3); short protein forms V174F.
Identifiers: ClinVar variation 481930 (VCV000481930.15), dbSNP rs1555607084, ClinGen allele CA398985025.
Genomic context (GRCh38, chr17:31,169,931, plus strand): 5'-TTTTGGTTTTTACTTTTTAGGTTACAGGAATTAACTGTTTGTTCAGAAGACAATGTTGAT[G>T]TTCATGATATAGAATTGTTACAGTATATCAATGTGGATTGTGCAAAATTAAAACGACTCC-3'
Protein context (NP_001035957.1, residues 164-184): LTVCSEDNVD[Val174Phe]HDIELLQYIN